The following is an entry in ClinVar:

NM_032193.4(RNASEH2C):c.260A>G (p.Glu87Gly)

Gene: RNASEH2C (ribonuclease H2 subunit C; minus strand). Cytogenetic location: 11q13.1.
Variant type: single nucleotide variant.
Coding change: c.260A>G on transcript NM_032193.4 (MANE Select); coding-DNA position 260, A replaced by G.
Protein change: p.Glu87Gly; replaces glutamic acid 87 with glycine.
Molecular consequence: missense variant.
Genome position (GRCh38, 1-based): chr11:65,720,330, T>C on the plus strand (A>G on the coding strand, the complement: RNASEH2C is on the minus strand). VCF-style: chr11-65720330-T-C. GRCh37 (hg19) VCF-style: chr11-65487801-T-C.
Other names: short protein forms E87G.
Identifiers: ClinVar variation 580991 (VCV000580991.8), dbSNP rs939276490, ClinGen allele CA223999664.

ClinVar aggregate classification (germline): Uncertain significance (1 of 4 stars; one submission).

Conditions:
Aicardi-Goutieres syndrome 3. Identifiers: Orphanet 51, MedGen C1835916, MONDO:0012471, OMIM 610329.

Allele frequency attached by ClinVar (database versions not stated): gnomAD exomes below 0.00001.
gnomAD v4.1: 3 of 1,614,216 alleles (0.00019%); highest among the groups gnomAD compares: Non-Finnish European, 0.00025%; no homozygotes.

Submission:

Labcorp Genetics (formerly Invitae), Labcorp
Classification: Uncertain significance for Aicardi-Goutieres syndrome 3. Last evaluated: 2018-02-28. Review status: criteria provided, single submitter. Criteria: Invitae Variant Classification Sherloc (09022015). Collection method: clinical testing. Allele origin: germline.
Comment: In summary, the available evidence is currently insufficient to determine the role of this variant in disease. Therefore, it has been classified as a Variant of Uncertain Significance. Algorithms developed to predict the effect of missense changes on protein structure and function do not agree on the potential impact of this missense change (SIFT: "Tolerated"; PolyPhen-2: "Possibly Damaging"; Align-GVGD: "Class C0"). This variant has not been reported in the literature in individuals with RNASEH2C-related disease. This variant is not present in population databases (ExAC no frequency). This sequence change replaces glutamic acid with glycine at codon 87 of the RNASEH2C protein (p.Glu87Gly). The glutamic acid residue is moderately conserved and there is a moderate physicochemical difference between glutamic acid and glycine.